The following is an entry in ClinVar:

NM_005732.4(RAD50):c.3376A>C (p.Lys1126Gln)

Gene: RAD50 (RAD50 double strand break repair protein; plus strand). Cytogenetic location: 5q31.1.
Variant type: single nucleotide variant.
Coding change: c.3376A>C on transcript NM_005732.4 (MANE Select); coding-DNA position 3376, A replaced by C.
Protein change: p.Lys1126Gln; replaces lysine 1126 with glutamine.
Molecular consequence: missense variant.
Genome position (GRCh38, 1-based): chr5:132,618,281, A>C. VCF-style: chr5-132618281-A-C. GRCh37 (hg19) VCF-style: chr5-131953973-A-C.
Other names: short protein forms K1126Q.
Identifiers: ClinVar variation 1730769 (VCV001730769.7), dbSNP rs2479388938, ClinGen allele CA360965029.
Genomic context (GRCh38, chr5:132,618,281, plus strand): 5'-GAAATGATGATTGTTATGAGGACAACAGAACTTGTGAACAAGGATCTGGATATTTATTAT[A>C]AGACTCTTGACCAGTAAGTATTAGACTGGGGATTTTCTTATTGCAGTTAATATTAACTAA-3'
Protein context (NP_005723.2, residues 1116-1136): LVNKDLDIYY[Lys1126Gln]TLDQAIMKFH

ClinVar aggregate classification (germline): Uncertain significance. Review status: criteria provided, multiple submitters, no conflicts (2 of 4 stars). 2 submissions from 2 submitters: Uncertain significance (2). Last evaluated 2023-07-19.

Conditions:
Hereditary cancer-predisposing syndrome. Also called: Neoplastic Syndromes, Hereditary; Tumor predisposition; Hereditary Cancer Syndrome; Hereditary neoplastic syndrome. Identifiers: Orphanet 140162, MedGen C0027672, MeSH D009386, MONDO:0015356.

Submissions (2):

Labcorp Genetics (formerly Invitae), Labcorp
Classification: Uncertain significance for Hereditary cancer-predisposing syndrome. Last evaluated: 2023-07-19. Review status: criteria provided, single submitter. Criteria: Invitae Variant Classification Sherloc (09022015). Collection method: clinical testing. Allele origin: germline.
Comment: In summary, the available evidence is currently insufficient to determine the role of this variant in disease. Therefore, it has been classified as a Variant of Uncertain Significance. Advanced modeling of protein sequence and biophysical properties (such as structural, functional, and spatial information, amino acid conservation, physicochemical variation, residue mobility, and thermodynamic stability) performed at Invitae indicates that this missense variant is not expected to disrupt RAD50 protein function. ClinVar contains an entry for this variant (Variation ID: 1730769). This variant has not been reported in the literature in individuals affected with RAD50-related conditions. This variant is not present in population databases (gnomAD no frequency). This sequence change replaces lysine, which is basic and polar, with glutamine, which is neutral and polar, at codon 1126 of the RAD50 protein (p.Lys1126Gln).

Ambry Genetics
Classification: Uncertain significance for Hereditary cancer-predisposing syndrome. Last evaluated: 2020-02-10. Review status: criteria provided, single submitter. Criteria: Ambry Variant Classification Scheme 2023. Collection method: clinical testing. Allele origin: germline.
Comment: The p.K1126Q variant (also known as c.3376A>C), located in coding exon 21 of the RAD50 gene, results from an A to C substitution at nucleotide position 3376. The lysine at codon 1126 is replaced by glutamine, an amino acid with similar properties. This amino acid position is highly conserved in available vertebrate species. In addition, the in silico prediction for this alteration is inconclusive. Since supporting evidence is limited at this time, the clinical significance of this alteration remains unclear.